The following is an entry in ClinVar:

NM_004656.4(BAP1):c.1937A>G (p.Tyr646Cys)

Gene: BAP1 (BRCA1 associated deubiquitinase 1; minus strand). Cytogenetic location: 3p21.1.
Variant type: single nucleotide variant.
Coding change: c.1937A>G on transcript NM_004656.4 (MANE Select); coding-DNA position 1937, A replaced by G.
Protein change: p.Tyr646Cys; replaces tyrosine 646 with cysteine.
Molecular consequence: missense variant.
Genome position (GRCh38, 1-based): chr3:52,402,825, T>C on the plus strand (A>G on the coding strand, the complement: BAP1 is on the minus strand). VCF-style: chr3-52402825-T-C. GRCh37 (hg19) VCF-style: chr3-52436841-T-C.
Other names: c.1883A>G, p.Tyr628Cys (NM_001410772.1); short protein forms Y646C, Y628C.
Identifiers: ClinVar variation 1782977 (VCV001782977.7), dbSNP rs1377099523, ClinGen allele CA353096689.
Genomic context (GRCh38, chr3:52,402,825, plus strand): 5'-GAGAAATCACCCACCTTGAACTTCTTCCTCTTCTCTACCTCCTCCTTGAGGCACGCCTCA[T>C]AGTTTGCAATCTCAGCCTCCACACACTTCAGCAGTGCCAGCAGCTCCTGCCAAAACCCAG-3'
Protein context (NP_004647.1, residues 636-656): LKCVEAEIAN[Tyr646Cys]EACLKEEVEK

ClinVar aggregate classification (germline): Uncertain significance. Review status: criteria provided, multiple submitters, no conflicts (2 of 4 stars). 2 submissions from 2 submitters: Uncertain significance (2). Last evaluated 2024-11-26.

Conditions:
Hereditary cancer-predisposing syndrome. Also called: Neoplastic Syndromes, Hereditary; Tumor predisposition; Hereditary Cancer Syndrome; Hereditary neoplastic syndrome. Identifiers: Orphanet 140162, MedGen C0027672, MeSH D009386, MONDO:0015356.
BAP1-related tumor predisposition syndrome (TPDS1). Also called: Tumor susceptibility linked to germline BAP1 mutations; BAP1 tumor predisposition syndrome; COMMON Syndrome; TUMOR PREDISPOSITION SYNDROME 1. Identifiers: Orphanet 289539, MedGen C3280492, MONDO:0013692, OMIM 614327.

Allele frequency attached by ClinVar (database versions not stated): gnomAD exomes below 0.00001; TOPMed below 0.00001.
gnomAD v4.1: 6 of 1,614,190 alleles (0.00037%); highest among the groups gnomAD compares: East Asian, 0.011%; no homozygotes.

Submissions (2):

Labcorp Genetics (formerly Invitae), Labcorp
Classification: Uncertain significance for BAP1-related tumor predisposition syndrome. Last evaluated: 2024-11-26. Review status: criteria provided, single submitter. Criteria: Invitae Variant Classification Sherloc (09022015). Collection method: clinical testing. Allele origin: germline.
Comment: This sequence change replaces tyrosine, which is neutral and polar, with cysteine, which is neutral and slightly polar, at codon 646 of the BAP1 protein (p.Tyr646Cys). This variant is present in population databases (no rsID available, gnomAD 0.006%). This variant has not been reported in the literature in individuals affected with BAP1-related conditions. ClinVar contains an entry for this variant (Variation ID: 1782977). Invitae Evidence Modeling of protein sequence and biophysical properties (such as structural, functional, and spatial information, amino acid conservation, physicochemical variation, residue mobility, and thermodynamic stability) indicates that this missense variant is not expected to disrupt BAP1 protein function with a negative predictive value of 80%. In summary, the available evidence is currently insufficient to determine the role of this variant in disease. Therefore, it has been classified as a Variant of Uncertain Significance.

Ambry Genetics
Classification: Uncertain significance for Hereditary cancer-predisposing syndrome. Last evaluated: 2024-10-08. Review status: criteria provided, single submitter. Criteria: Ambry Variant Classification Scheme 2023. Collection method: clinical testing. Allele origin: germline.
Comment: The p.Y646C variant (also known as c.1937A>G), located in coding exon 15 of the BAP1 gene, results from an A to G substitution at nucleotide position 1937. The tyrosine at codon 646 is replaced by cysteine, an amino acid with highly dissimilar properties. This amino acid position is highly conserved in available vertebrate species. In addition, the in silico prediction for this alteration is inconclusive. Based on the available evidence, the clinical significance of this variant remains unclear.